The following is an entry in ClinVar:

ClinVar aggregate classification (germline): Uncertain significance (1 of 4 stars; one submission).

Conditions:
Welander distal myopathy (WDM). Also called: Welander distal myopathy, Swedish type; Distal myopathy, Swedish type; Gower's muscular dystrophy; MUSCULAR DYSTROPHY, DISTAL, LATE-ONSET, AUTOSOMAL DOMINANT. Identifiers: Orphanet 603, MedGen C0221054, MONDO:0011466, OMIM 604454.

Allele frequency attached by ClinVar (database versions not stated): gnomAD 0.00001.
gnomAD v4.1: 1 of 1,613,322 alleles (0.000062%); highest among the groups gnomAD compares: African/African-American, 0.0013%; no homozygotes.

Submission:

Labcorp Genetics (formerly Invitae), Labcorp
Classification: Uncertain significance for Welander distal myopathy. Last evaluated: 2021-12-17. Review status: criteria provided, single submitter. Criteria: Invitae Variant Classification Sherloc (09022015). Collection method: clinical testing. Allele origin: germline.
Comment: In summary, the available evidence is currently insufficient to determine the role of this variant in disease. Therefore, it has been classified as a Variant of Uncertain Significance. Algorithms developed to predict the effect of missense changes on protein structure and function are either unavailable or do not agree on the potential impact of this missense change (SIFT: "Tolerated"; PolyPhen-2: "Possibly Damaging"; Align-GVGD: "Class C0"). This variant has not been reported in the literature in individuals affected with TIA1-related conditions. This variant is present in population databases (no rsID available, gnomAD 0.01%). This sequence change replaces threonine, which is neutral and polar, with arginine, which is basic and polar, at codon 91 of the TIA1 protein (p.Thr91Arg).

NM_022173.4(TIA1):c.272C>G (p.Thr91Arg)

Gene: TIA1 (TIA1 cytotoxic granule associated RNA binding protein; minus strand). Cytogenetic location: 2p13.3.
Variant type: single nucleotide variant.
Coding change: c.272C>G on transcript NM_022173.4 (MANE Select); coding-DNA position 272, C replaced by G.
Protein change: p.Thr91Arg; replaces threonine 91 with arginine.
Molecular consequence: missense variant. On other transcripts: 5 prime UTR variant (4), non-coding transcript variant (17).
Genome position (GRCh38, 1-based): chr2:70,229,269, G>C on the plus strand (C>G on the coding strand, the complement: TIA1 is on the minus strand). VCF-style: chr2-70229269-G-C. GRCh37 (hg19) VCF-style: chr2-70456401-G-C.
Other names: c.272C>G, p.Thr91Arg (NM_001351508.2, NM_001351510.2, NM_001351516.2 and 5 more transcripts); c.278C>G, p.Thr93Arg (NM_001351509.2, NM_001351520.2); c.161C>G, p.Thr54Arg (NM_001351511.1, NM_001351513.1); c.167C>G, p.Thr56Arg (NM_001351512.1); c.77C>G, p.Thr26Arg (NM_001351514.2, NM_001351523.2); c.-118C>G (NM_001351515.2); c.-372C>G (NM_001351517.2); c.-149C>G (NM_001351524.2); and 1 more; short protein forms T91R, T93R, T54R, T26R, T56R.
Identifiers: ClinVar variation 2044838 (VCV002044838.4), dbSNP rs1306434191, ClinGen allele CA347156593.